The following is an entry in ClinVar:

NM_002929.3(GRK1):c.-4C>T

Gene: GRK1 (G protein-coupled receptor kinase 1; plus strand). Cytogenetic location: 13q34.
Variant type: single nucleotide variant.
Coding change: c.-4C>T on transcript NM_002929.3 (MANE Select); 4 bases upstream of the start codon, C replaced by T.
Molecular consequence: 5 prime UTR variant.
Genome position (GRCh38, 1-based): chr13:113,667,383, C>T. VCF-style: chr13-113667383-C-T. GRCh37 (hg19) VCF-style: chr13-114321698-C-T.
Other names: c.-4C>T (NM_002929.2).
Identifiers: ClinVar variation 4920683 (VCV004920683.2).
Genomic context (GRCh38, chr13:113,667,383, plus strand): 5'-GAACGCTCCCGGCTTGGCCTCGGCTGATGGGCCCTCACGCCTGAAGCGGGCAGGAAGCTC[C>T]GGGATGGATTTCGGGTCTTTGGAGACCGTGGTGGCCAACTCTGCCTTCATCGCCGCCCGA-3'

ClinVar aggregate classification (germline): Likely benign. Review status: criteria provided, multiple submitters, no conflicts (2 of 4 stars). 2 submissions from 2 submitters: Likely benign (2). Last evaluated 2025-11-06.

Conditions:
GRK1-related disorder. Also called: GRK1-related condition.

gnomAD v4.1: 168 of 1,553,876 alleles (0.011%); highest among the groups gnomAD compares: Admixed American, 0.043%; no homozygotes.

Submissions (2):

PreventionGenetics, part of Exact Sciences
Classification: Likely benign for GRK1-related condition. Last evaluated: 2025-11-06. Review status: criteria provided, single submitter. Criteria: ACMG Guidelines, 2015. Collection method: clinical testing. Allele origin: germline.
Comment: This variant is classified as likely benign based on ACMG/AMP sequence variant interpretation guidelines (Richards et al. 2015 PMID: 25741868, with internal and published modifications).

Blueprint Genetics
Classification: Likely benign. Last evaluated: 2024-01-18. Review status: criteria provided, single submitter. Criteria: ACMG Guidelines, 2015. Collection method: clinical testing. Allele origin: germline.